The following is an entry in ClinVar:

NM_007194.4(CHEK2):c.452G>A (p.Gly151Asp)

Gene: CHEK2 (checkpoint kinase 2; minus strand). Cytogenetic location: 22q12.1.
Variant type: single nucleotide variant.
Coding change: c.452G>A on transcript NM_007194.4 (MANE Select); coding-DNA position 452, G replaced by A.
Protein change: p.Gly151Asp; replaces glycine 151 with aspartic acid.
Molecular consequence: missense variant. On other transcripts: intron variant (1), 5 prime UTR variant (2).
Genome position (GRCh38, 1-based): chr22:28,725,117, C>T on the plus strand (G>A on the coding strand, the complement: CHEK2 is on the minus strand). VCF-style: chr22-28725117-C-T. GRCh37 (hg19) VCF-style: chr22-29121105-C-T.
Other names: c.545G>A, p.Gly182Asp (NM_001438293.1, NM_001438295.1); c.581G>A, p.Gly194Asp (NM_001438294.1, NM_001005735.3); c.452G>A, p.Gly151Asp (NM_145862.3); c.444+126G>A (NM_001349956.3); c.-326G>A (NM_001257387.3); c.-212G>A (NM_001437942.1); short protein forms G151D, G194D, G182D.
Identifiers: ClinVar variation 481722 (VCV000481722.18), dbSNP rs1413319082, ClinGen allele CA411107741.

ClinVar aggregate classification (germline): Uncertain significance. Review status: criteria provided, multiple submitters, no conflicts (2 of 4 stars). 4 submissions from 4 submitters: Uncertain significance (4). Last evaluated 2026-04-11.

Conditions:
Hereditary cancer-predisposing syndrome. Also called: Tumor predisposition; Hereditary neoplastic syndrome; Neoplastic Syndromes, Hereditary; Hereditary Cancer Syndrome. Identifiers: Orphanet 140162, MedGen C0027672, MeSH D009386, MONDO:0015356.
Familial cancer of breast. Also called: hereditary breast carcinoma; Hereditary breast cancer; BREAST CANCER, FAMILIAL. Identifiers: Orphanet 227535, MedGen C0346153, MONDO:0016419, OMIM 114480. Disease mechanism: loss of function.

Allele frequency attached by ClinVar (database versions not stated): TOPMed 0.00002.

Submissions (4):

Ambry Genetics
Classification: Uncertain significance for Hereditary cancer-predisposing syndrome. Last evaluated: 2026-04-11. Review status: criteria provided, single submitter. Criteria: Ambry Variant Classification Scheme 2023. Collection method: clinical testing. Allele origin: germline.

Color Diagnostics, LLC DBA Color Health
Classification: Uncertain significance for Hereditary cancer-predisposing syndrome. Last evaluated: 2025-06-02. Review status: criteria provided, single submitter. Criteria: ACMG Guidelines, 2015. Collection method: clinical testing. Allele origin: germline.
Comment: This missense variant replaces glycine with aspartic acid at codon 151 of the CHEK2 protein. Computational prediction is inconclusive regarding the impact of this variant on protein structure and function. To our knowledge, functional studies have not been reported for this variant. This variant has not been reported in individuals affected with CHEK2-related disorders in the literature. This variant has not been identified in the general population by the Genome Aggregation Database (gnomAD). The available evidence is insufficient to determine the role of this variant in disease conclusively. Therefore, this variant is classified as a Variant of Uncertain Significance.

Labcorp Genetics (formerly Invitae), Labcorp
Classification: Uncertain significance for Familial cancer of breast. Last evaluated: 2024-09-14. Review status: criteria provided, single submitter. Criteria: Invitae Variant Classification Sherloc (09022015). Collection method: clinical testing. Allele origin: germline.
Comment: This sequence change replaces glycine, which is neutral and non-polar, with aspartic acid, which is acidic and polar, at codon 151 of the CHEK2 protein (p.Gly151Asp). This variant is not present in population databases (gnomAD no frequency). This variant has not been reported in the literature in individuals affected with CHEK2-related conditions. ClinVar contains an entry for this variant (Variation ID: 481722). An algorithm developed to predict the effect of missense changes on protein structure and function (PolyPhen-2) suggests that this variant is likely to be tolerated. In summary, the available evidence is currently insufficient to determine the role of this variant in disease. Therefore, it has been classified as a Variant of Uncertain Significance.

Sema4
Classification: Uncertain significance for Hereditary cancer-predisposing syndrome. Last evaluated: 2022-03-16. Review status: criteria provided, single submitter. Criteria: Sema4 Curation Guidelines. Collection method: curation. Allele origin: germline.
Comment: To the best of our knowledge, the CHEK2 c.452G>A (p.G151D) variant has not been reported in individuals with CHEK2-related disease. It has been reported in a large case-control study of breast cancer in 0/60466 cases and 1/53461 controls (PMID: 33471991). It was not observed in the large and broad cohorts of the Genome Aggregation Database (PMID: 32461654). This variant has been reported in ClinVar (Variation ID 481722). Functional studies have not been performed, and in silico predictions of the variant's effect on protein function are inconclusive. The evidence is insufficient to meet ACMG/AMP criteria for classifying the variant as benign or pathogenic. Thus, the clinical significance of this variant is currently uncertain.

Literature cited by the submitters: PubMed 33471991 (cited by Sema4).